The following is an entry in ClinVar:

ClinVar aggregate classification (germline): Likely benign. Review status: criteria provided, multiple submitters, no conflicts (2 of 4 stars). 2 submissions from 2 submitters: Likely benign (2). Last evaluated 2017-05-01.

Allele frequency attached by ClinVar (database versions not stated): ExAC 0.00010; TOPMed 0.00002; gnomAD exomes 0.00004; gnomAD 0.00001.
gnomAD v4.1: 135 of 1,599,018 alleles (0.0084%); highest among the groups gnomAD compares: East Asian, 0.052%; no homozygotes.

Submissions (2):

ARUP Laboratories, Molecular Genetics and Genomics, ARUP Laboratories
Classification: Likely benign. Last evaluated: 2017-05-01. Review status: criteria provided, single submitter. Criteria: ARUP Molecular Germline Variant Investigation Process. Collection method: clinical testing. Allele origin: germline.
Comment: The c.-28C>T variant has not been previously associated with any aortopathy or connective tissue disorder and is listed in the ClinVar database as likely benign (Variation ID: 379695). This variant is rare in the general population, and is listed in the Genome Aggregation Database (gnomAD) browser with a frequency in East Asian populations of 0.05% (identified in 8 out of 16,390 chromosomes). However, this variant does not create an upstream translational start codon, does not alter the amino acid sequence of FBN1 protein, and is not predicted to alter FBN1 mRNA splicing (Alamut software v 2.8.1). Therefore, the c.-28C>T variant is likely to be benign.

GeneDx
Classification: Likely benign. Last evaluated: 2016-04-18. Review status: criteria provided, single submitter. Criteria: GeneDx Variant Classification (06012015). Collection method: clinical testing. Allele origin: germline. Affected: yes.
Comment: This variant is considered likely benign or benign based on one or more of the following criteria: it is a conservative change, it occurs at a poorly conserved position in the protein, it is predicted to be benign by multiple in silico algorithms, and/or has population frequency not consistent with disease.

NM_000138.5(FBN1):c.-28C>T

Gene: FBN1 (fibrillin 1; minus strand). Cytogenetic location: 15q21.1.
Variant type: single nucleotide variant.
Coding change: c.-28C>T on transcript NM_000138.5 (MANE Select); 28 bases upstream of the start codon, C replaced by T.
Molecular consequence: 5 prime UTR variant.
Genome position (GRCh38, 1-based): chr15:48,644,797, G>A on the plus strand (C>T on the coding strand, the complement: FBN1 is on the minus strand). VCF-style: chr15-48644797-G-A. GRCh37 (hg19) VCF-style: chr15-48936994-G-A.
Identifiers: ClinVar variation 379695 (VCV000379695.9), dbSNP rs780163247, ClinGen allele CA049264.